The following is an entry in ClinVar:

ClinVar aggregate classification (germline): Benign/Likely benign. Review status: criteria provided, multiple submitters, no conflicts (2 of 4 stars). 2 submissions from 2 submitters: Benign (1); Likely benign (1). Last evaluated 2026-09-01.

Allele frequency attached by ClinVar (database versions not stated): gnomAD 0.00001; ExAC 0.00003; gnomAD exomes 0.00003; ESP Exome Variant Server 0.00008.
gnomAD v4.1: 48 of 1,613,938 alleles (0.003%); highest among the groups gnomAD compares: East Asian, 0.0045%; no homozygotes.

Submissions (2):

CeGaT Center for Human Genetics Tuebingen
Classification: Likely benign. Last evaluated: 2026-09-01. Review status: criteria provided, single submitter. Criteria: CeGaT Center For Human Genetics Tuebingen Variant Classification Criteria Version 2. Collection method: clinical testing. Allele origin: germline. Affected: yes. Observed: 2 variant alleles.
Comment: ARID1B: BP4, BP7

Labcorp Genetics (formerly Invitae), Labcorp
Classification: Benign. Last evaluated: 2025-10-26. Review status: criteria provided, single submitter. Criteria: Invitae Variant Classification Sherloc (09022015). Collection method: clinical testing. Allele origin: germline.

NM_001374828.1(ARID1B):c.2655G>A (p.Ser885=)

Gene: ARID1B (AT-rich interaction domain 1B; plus strand). Cytogenetic location: 6q25.3.
Variant type: single nucleotide variant.
Coding change: c.2655G>A on transcript NM_001374828.1 (MANE Select); coding-DNA position 2655, G replaced by A.
Protein change: p.Ser885=; no amino-acid change (serine 885 retained).
Molecular consequence: synonymous variant.
Genome position (GRCh38, 1-based): chr6:157,133,101, G>A. VCF-style: chr6-157133101-G-A. GRCh37 (hg19) VCF-style: chr6-157454235-G-A.
Other names: c.2406G>A, p.Ser802= (NM_001346813.1); c.156G>A, p.Ser52= (NM_001363725.2); c.2694G>A, p.Ser898= (NM_001371656.1, NM_001374820.1); c.2655G>A, p.Ser885= (NM_017519.3); c.2445G>A, p.Ser815= (NM_020732.3); c.2232G>A, p.Ser744= (NM_175863.2).
Identifiers: ClinVar variation 2042490 (VCV002042490.26), dbSNP rs374691223, ClinGen allele CA4067113.